The following is an entry in ClinVar:

NM_201384.3(PLEC):c.8475C>T (p.Pro2825=)

Gene: PLEC (plectin; minus strand). Cytogenetic location: 8q24.3.
Variant type: single nucleotide variant.
Coding change: c.8475C>T on transcript NM_201384.3 (MANE Select); coding-DNA position 8475, C replaced by T.
Protein change: p.Pro2825=; no amino-acid change (proline 2825 retained).
Molecular consequence: synonymous variant.
Genome position (GRCh38, 1-based): chr8:143,921,346, G>A on the plus strand (C>T on the coding strand, the complement: PLEC is on the minus strand). VCF-style: chr8-143921346-G-A. GRCh37 (hg19) VCF-style: chr8-144995514-G-A.
Other names: c.8556C>T (NM_000445.4); c.8556C>T, p.Pro2852= (NM_000445.5); c.8433C>T, p.Pro2811= (NM_201378.4); c.8409C>T, p.Pro2803= (NM_201379.3); c.8886C>T, p.Pro2962= (NM_201380.4); c.8379C>T, p.Pro2793= (NM_201381.3); c.8475C>T, p.Pro2825= (NM_201382.4); c.8487C>T, p.Pro2829= (NM_201383.3).
Identifiers: ClinVar variation 227854 (VCV000227854.19), dbSNP rs374602421, ClinGen allele CA4925298.
Genomic context (GRCh38, chr8:143,921,346, plus strand): 5'-GTCCGCCAGGACGCGGTTCATCTCCTCGTCGAAGTAGCCGCGCCGGTAGGCCACGTCCAC[G>A]GGCACGCGGTGGCTGTGCACGGGGTCGATAACGCCGCCCGTGGCGATCTGGGCCTCCAGC-3'
Protein context (NP_958786.1, residues 2815-2835): VIDPVHSHRV[Pro2825=]VDVAYRRGYF

ClinVar aggregate classification (germline): Likely benign. Review status: criteria provided, multiple submitters, no conflicts (2 of 4 stars). 6 submissions from 6 submitters: Likely benign (3). 3 of the submissions do not count toward it. Last evaluated 2026-01-05.

Conditions:
PLEC-related disorder. Also called: PLEC-related disorders; PLEC-related condition.
Autosomal recessive limb-girdle muscular dystrophy type 2Q (LGMDR17). Also called: MUSCULAR DYSTROPHY, LIMB-GIRDLE, AUTOSOMAL RECESSIVE 17. Identifiers: Orphanet 254361, MedGen C3150989, MONDO:0013390, OMIM 613723.
Epidermolysis bullosa simplex 5C, with pyloric atresia (EBS5C). Also called: PLEC-Related Epidermolysis Bullosa with Pyloric Atresia; Epidermolysis bullosa simplex with pyloric atresia; PLEC1-Related Epidermolysis Bullosa with Pyloric Atresia. Identifiers: Orphanet 158684, MedGen C2677349, MONDO:0012807, OMIM 612138.
Epidermolysis bullosa simplex, Ogna type (EBS5A). Also called: Pidermolysis bullosa simplex 5A, Ogna type; EPIDERMOLYSIS BULLOSA SIMPLEX 5A, OGNA TYPE. Identifiers: Orphanet 79401, MedGen C0432317, MONDO:0007555, OMIM 131950.
Epidermolysis bullosa simplex with nail dystrophy (EBS5D). Identifiers: MedGen C4225309, MONDO:0014661, OMIM 616487.
Epidermolysis bullosa simplex 5B, with muscular dystrophy (EBS5B). Also called: Epidermolysis bullosa simplex with muscular dystrophy; EPIDERMOLYSIS BULLOSA SIMPLEX AND LIMB-GIRDLE MUSCULAR DYSTROPHY. Identifiers: Orphanet 257, MedGen C2931072, MONDO:0009181, OMIM 226670.

Allele frequency attached by ClinVar (database versions not stated): TOPMed 0.00002; ExAC 0.00005; gnomAD 0.00005 and 0.00006; ESP Exome Variant Server 0.00008.
gnomAD v4.1: 122 of 1,613,594 alleles (0.0076%); highest among the groups gnomAD compares: Admixed American, 0.017%; no homozygotes.

Submissions (6):

Labcorp Genetics (formerly Invitae), Labcorp
Classification: Likely benign for Autosomal recessive limb-girdle muscular dystrophy type 2Q; Epidermolysis bullosa simplex, Ogna type; Epidermolysis bullosa simplex with nail dystrophy; Epidermolysis bullosa simplex 5C, with pyloric atresia; Epidermolysis bullosa simplex 5B, with muscular dystrophy. Last evaluated: 2026-01-05. Review status: criteria provided, single submitter. Criteria: Invitae Variant Classification Sherloc (09022015). Collection method: clinical testing. Allele origin: germline.

GeneDx
Classification: Likely benign. Last evaluated: 2016-12-12. Review status: criteria provided, single submitter. Criteria: GeneDx Variant Classification (06012015). Collection method: clinical testing. Allele origin: germline. Affected: yes.
Comment: This variant is considered likely benign or benign based on one or more of the following criteria: it is a conservative change, it occurs at a poorly conserved position in the protein, it is predicted to be benign by multiple in silico algorithms, and/or has population frequency not consistent with disease.

Laboratory for Molecular Medicine, Mass General Brigham Personalized Medicine
Classification: Likely benign. Last evaluated: 2015-09-03. Review status: criteria provided, single submitter. Criteria: LMM Criteria. Collection method: clinical testing. Allele origin: germline. Observed: 1 variant allele.
Comment: p.Pro2962Pro in exon 32 of PLEC: This variant is not expected to have clinical s ignificance because it does not alter an amino acid residue and is not located w ithin the splice consensus sequence. It has been identified in 4/66108 European chromosomes by the Exome Aggregation Consortium (ExAC; dbSNP rs374602421).

PreventionGenetics, part of Exact Sciences
Classification: Likely benign for PLEC-related condition. Last evaluated: 2024-02-15. Review status: no assertion criteria provided. Collection method: clinical testing. Allele origin: germline. Not counted in ClinVar's aggregate classification.
Comment: This variant is classified as likely benign based on ACMG/AMP sequence variant interpretation guidelines (Richards et al. 2015 PMID: 25741868, with internal and published modifications).

Clinical Genetics DNA and cytogenetics Diagnostics Lab, Erasmus MC, Erasmus Medical Center
Classification: Likely benign. Review status: no assertion criteria provided. Collection method: clinical testing. Allele origin: germline. Affected: yes. Study: VKGL Data-share Consensus. Not counted in ClinVar's aggregate classification.

Diagnostic Laboratory, Department of Genetics, University Medical Center Groningen
Classification: Likely benign. Review status: no assertion criteria provided. Collection method: clinical testing. Allele origin: germline. Affected: yes. Study: VKGL Data-share Consensus. Not counted in ClinVar's aggregate classification.